The following is an entry in ClinVar:

NM_144596.4(TTC8):c.865C>T (p.Pro289Ser)

Gene: TTC8 (tetratricopeptide repeat domain 8; plus strand). Cytogenetic location: 14q31.3.
Variant type: single nucleotide variant.
Coding change: c.865C>T on transcript NM_144596.4 (MANE Select); coding-DNA position 865, C replaced by T.
Protein change: p.Pro289Ser; replaces proline 289 with serine.
Molecular consequence: missense variant. On other transcripts: non-coding transcript variant (1).
Genome position (GRCh38, 1-based): chr14:88,861,288, C>T. VCF-style: chr14-88861288-C-T. GRCh37 (hg19) VCF-style: chr14-89327632-C-T.
Other names: c.913C>T, p.Pro305Ser (NM_001288781.1); c.271C>T, p.Pro91Ser (NM_001288782.1); c.148C>T, p.Pro50Ser (NM_001288783.1); c.835C>T, p.Pro279Ser (NM_001366535.2, NM_198309.3); c.745C>T, p.Pro249Ser (NM_001366536.2, NM_198310.3); short protein forms P249S, P279S, P289S, P305S, P50S, P91S.
Identifiers: ClinVar variation 1062811 (VCV001062811.9), dbSNP rs2141016153, ClinGen allele CA390546823.

ClinVar aggregate classification (germline): Uncertain significance (1 of 4 stars; one submission).

Conditions:
Bardet-Biedl syndrome (BBS). Identifiers: Orphanet 110, MedGen C0752166, MONDO:0015229.

Allele frequency attached by ClinVar (database versions not stated): gnomAD exomes below 0.00001.
gnomAD v4.1: 1 of 1,612,824 alleles (0.000062%); highest among the groups gnomAD compares: Non-Finnish European, 0.000085%; no homozygotes.

Submission:

Labcorp Genetics (formerly Invitae), Labcorp
Classification: Uncertain significance for Bardet-Biedl syndrome. Last evaluated: 2022-07-19. Review status: criteria provided, single submitter. Criteria: Invitae Variant Classification Sherloc (09022015). Collection method: clinical testing. Allele origin: germline.
Comment: In summary, the available evidence is currently insufficient to determine the role of this variant in disease. Therefore, it has been classified as a Variant of Uncertain Significance. Algorithms developed to predict the effect of missense changes on protein structure and function are either unavailable or do not agree on the potential impact of this missense change (SIFT: "Deleterious"; PolyPhen-2: "Possibly Damaging"; Align-GVGD: "Class C0"). ClinVar contains an entry for this variant (Variation ID: 1062811). This variant has not been reported in the literature in individuals affected with TTC8-related conditions. This variant is not present in population databases (gnomAD no frequency). This sequence change replaces proline, which is neutral and non-polar, with serine, which is neutral and polar, at codon 279 of the TTC8 protein (p.Pro279Ser).